The following is an entry in ClinVar:

ClinVar aggregate classification (germline): Pathogenic (1 of 4 stars; one submission).

Submission:

Labcorp Genetics (formerly Invitae), Labcorp
Classification: Pathogenic. Last evaluated: 2022-12-02. Review status: criteria provided, single submitter. Criteria: Invitae Variant Classification Sherloc (09022015). Collection method: clinical testing. Allele origin: germline.
Comment: This sequence change creates a premature translational stop signal (p.Thr337Profs*22) in the SLC24A5 gene. It is expected to result in an absent or disrupted protein product. Loss-of-function variants in SLC24A5 are known to be pathogenic (PMID: 23985994, 26686029). This variant is not present in population databases (gnomAD no frequency). This variant has not been reported in the literature in individuals affected with SLC24A5-related conditions. ClinVar contains an entry for this variant (Variation ID: 1452966). For these reasons, this variant has been classified as Pathogenic.

Literature cited by the submitters: PubMed 23985994; PubMed 26686029.

NM_205850.3(SLC24A5):c.1009del (p.Thr337fs)

Genes: MYEF2 (myelin expression factor 2; minus strand), SLC24A5 (solute carrier family 24 member 5; plus strand). Cytogenetic location: 15q21.1.
Variant type: Deletion.
Coding change: c.1009del on transcript NM_205850.3 (MANE Select); coding-DNA position 1009, one base deleted (A; older notation c.1009delA).
Protein change: p.Thr337fs; shifts the reading frame from threonine 337.
Molecular consequence: frameshift variant. On other transcripts: 3 prime UTR variant (2).
Genome position (GRCh38, 1-based): chr15:48,139,106, A deleted; the last of 2 consecutive A bases (chr15:48,139,105-48,139,106); deleting either gives the same sequence. VCF-style (leftmost placement, unchanged base first): chr15-48139104-TA-T. GRCh37 (hg19) VCF-style: chr15-48431301-TA-T.
Other names: c.*3803del (NM_001301210.2, NM_016132.5); short protein forms T337fs.
Identifiers: ClinVar variation 1452966 (VCV001452966.6), dbSNP rs2140754731, ClinGen allele CA2573151000.